The following is an entry in ClinVar:

NM_005188.4(CBL):c.560C>T (p.Ala187Val)

Gene: CBL (Cbl proto-oncogene; plus strand). Cytogenetic location: 11q23.3.
Variant type: single nucleotide variant.
Coding change: c.560C>T on transcript NM_005188.4 (MANE Select); coding-DNA position 560, C replaced by T.
Protein change: p.Ala187Val; replaces alanine 187 with valine.
Molecular consequence: missense variant.
Genome position (GRCh38, 1-based): chr11:119,271,851, C>T. VCF-style: chr11-119271851-C-T. GRCh37 (hg19) VCF-style: chr11-119142561-C-T.
Other names: c.560C>T (NM_005188.2); short protein forms A187V.
Identifiers: ClinVar variation 133816 (VCV000133816.9), dbSNP rs587778162, ClinGen allele CA157878.

ClinVar aggregate classification (germline): Uncertain significance. Review status: criteria provided, multiple submitters, no conflicts (2 of 4 stars). 3 submissions from 3 submitters: Uncertain significance (2). 1 of the submissions does not count toward it. Last evaluated 2025-10-16.

Conditions:
Cardiovascular phenotype. Identifiers: MedGen CN230736.
RASopathy. Also called: Noonan spectrum disorder; rasopathies. Identifiers: Orphanet 536391, MedGen C5555857, MONDO:0021060.

Allele frequency attached by ClinVar (database versions not stated): gnomAD 0.00001 and 0.00002; gnomAD exomes 0.00001; TOPMed 0.00002.
gnomAD v4.1: 23 of 1,613,680 alleles (0.0014%); highest among the groups gnomAD compares: African/African-American, 0.0027%; no homozygotes.

Submissions (3):

Labcorp Genetics (formerly Invitae), Labcorp
Classification: Uncertain significance for RASopathy. Last evaluated: 2025-10-16. Review status: criteria provided, single submitter. Criteria: Invitae Variant Classification Sherloc (09022015). Collection method: clinical testing. Allele origin: germline.
Comment: This sequence change replaces alanine, which is neutral and non-polar, with valine, which is neutral and non-polar, at codon 187 of the CBL protein (p.Ala187Val). This variant is present in population databases (rs587778162, gnomAD 0.002%). This variant has not been reported in the literature in individuals affected with CBL-related conditions. ClinVar contains an entry for this variant (Variation ID: 133816). Invitae Evidence Modeling of protein sequence and biophysical properties (such as structural, functional, and spatial information, amino acid conservation, physicochemical variation, residue mobility, and thermodynamic stability) has been performed for this missense variant. However, the output from this modeling did not meet the statistical confidence thresholds required to predict the impact of this variant on CBL protein function. In summary, the available evidence is currently insufficient to determine the role of this variant in disease. Therefore, it has been classified as a Variant of Uncertain Significance.

Ambry Genetics
Classification: Uncertain significance for Cardiovascular phenotype. Last evaluated: 2024-01-22. Review status: criteria provided, single submitter. Criteria: Ambry Variant Classification Scheme 2023. Collection method: clinical testing. Allele origin: germline.
Comment: The p.A187V variant (also known as c.560C>T), located in coding exon 3 of the CBL gene, results from a C to T substitution at nucleotide position 560. The alanine at codon 187 is replaced by valine, an amino acid with similar properties. This amino acid position is conserved. In addition, the in silico prediction for this alteration is inconclusive. Based on the available evidence, the clinical significance of this alteration remains unclear.

ITMI
No classification provided. Condition: AllHighlyPenetrant. Last evaluated: 2013-09-19. Review status: no classification provided. Collection method: reference population. Allele origin: germline. Not counted in ClinVar's aggregate classification.
Comment: Please see associated publication for description of ethnicities

Literature cited by the submitters: PubMed 24728327 (cited by ITMI).